The following is an entry in ClinVar:

ClinVar aggregate classification (germline): Likely benign. Review status: criteria provided, multiple submitters, no conflicts (2 of 4 stars). 2 submissions from 2 submitters: Likely benign (2). Last evaluated 2024-04-15.

gnomAD v4.1: 36 of 1,613,262 alleles (0.0022%); highest among the groups gnomAD compares: Middle Eastern, 0.016%; no homozygotes.

Submissions (2):

Labcorp Genetics (formerly Invitae), Labcorp
Classification: Likely benign. Last evaluated: 2024-04-15. Review status: criteria provided, single submitter. Criteria: Invitae Variant Classification Sherloc (09022015). Collection method: clinical testing. Allele origin: germline.

CeGaT Center for Human Genetics Tuebingen
Classification: Likely benign. Last evaluated: 2024-02-01. Review status: criteria provided, single submitter. Criteria: CeGaT Center For Human Genetics Tuebingen Variant Classification Criteria Version 2. Collection method: clinical testing. Allele origin: germline. Affected: yes. Observed: 1 variant allele.
Comment: LONP1: BP4, BP7

NM_004793.4(LONP1):c.2247C>T (p.Pro749=)

Gene: LONP1 (lon peptidase 1, mitochondrial; minus strand). Cytogenetic location: 19p13.3.
Variant type: single nucleotide variant.
Coding change: c.2247C>T on transcript NM_004793.4 (MANE Select); coding-DNA position 2247, C replaced by T.
Protein change: p.Pro749=; no amino-acid change (proline 749 retained).
Molecular consequence: synonymous variant. On other transcripts: non-coding transcript variant (1).
Genome position (GRCh38, 1-based): chr19:5,694,460, G>A on the plus strand (C>T on the coding strand, the complement: LONP1 is on the minus strand). VCF-style: chr19-5694460-G-A. GRCh37 (hg19) VCF-style: chr19-5694471-G-A.
Other names: c.2055C>T, p.Pro685= (NM_001276479.2); c.1659C>T, p.Pro553= (NM_001276480.1).
Identifiers: ClinVar variation 1588461 (VCV001588461.31), dbSNP rs150624477, ClinGen allele CA9114207.